The following is an entry in ClinVar:

NM_001330078.2(NRXN1):c.2195C>T (p.Pro732Leu)

Gene: NRXN1 (neurexin 1; minus strand). Cytogenetic location: 2p16.3.
Variant type: single nucleotide variant.
Coding change: c.2195C>T on transcript NM_001330078.2 (MANE Select); coding-DNA position 2195, C replaced by T.
Protein change: p.Pro732Leu; replaces proline 732 with leucine.
Molecular consequence: missense variant.
Genome position (GRCh38, 1-based): chr2:50,531,379, G>A on the plus strand (C>T on the coding strand, the complement: NRXN1 is on the minus strand). VCF-style: chr2-50531379-G-A. GRCh37 (hg19) VCF-style: chr2-50758517-G-A.
Other names: c.2315C>T, p.Pro772Leu (NM_001135659.3); c.2171C>T, p.Pro724Leu (NM_001330077.2, NM_001330082.2, NM_001330095.2); c.2156C>T, p.Pro719Leu (NM_001330083.2, NM_001330084.2); c.2195C>T, p.Pro732Leu (NM_001330085.2, NM_001330086.2, NM_004801.6); c.2111C>T, p.Pro704Leu (NM_001330087.2, NM_001330096.2); c.2141C>T, p.Pro714Leu (NM_001330088.2); c.2192C>T, p.Pro731Leu (NM_001330093.2); c.2183C>T, p.Pro728Leu (NM_001330094.2); short protein forms P704L, P732L, P719L, P724L, P772L, P731L, P714L, P728L.
Identifiers: ClinVar variation 2163065 (VCV002163065.6), dbSNP rs1209291229, ClinGen allele CA346769703.

ClinVar aggregate classification (germline): Uncertain significance. Review status: criteria provided, multiple submitters, no conflicts (2 of 4 stars). 2 submissions from 2 submitters: Uncertain significance (2). Last evaluated 2025-09-08.

Conditions:
Pitt-Hopkins-like syndrome 2 (PTHSL2). Identifiers: Orphanet 221150, Orphanet 600663, MedGen C3280479, MONDO:0013690, OMIM 614325.
Chromosome 2p16.3 deletion syndrome. Identifiers: MedGen C3808494, MONDO:0013696, OMIM 614332.

Allele frequency attached by ClinVar (database versions not stated): gnomAD exomes below 0.00001; TOPMed below 0.00001.
gnomAD v4.1: 1 of 1,612,838 alleles (0.000062%); highest among the groups gnomAD compares: East Asian, 0.0022%; no homozygotes.

Submissions (2):

Labcorp Genetics (formerly Invitae), Labcorp
Classification: Uncertain significance for Pitt-Hopkins-like syndrome 2. Last evaluated: 2025-09-08. Review status: criteria provided, single submitter. Criteria: Invitae Variant Classification Sherloc (09022015). Collection method: clinical testing. Allele origin: germline.
Comment: This sequence change replaces proline, which is neutral and non-polar, with leucine, which is neutral and non-polar, at codon 772 of the NRXN1 protein (p.Pro772Leu). This variant is present in population databases (no rsID available, gnomAD 0.01%). This variant has not been reported in the literature in individuals affected with NRXN1-related conditions. ClinVar contains an entry for this variant (Variation ID: 2163065). An algorithm developed to predict the effect of missense changes on protein structure and function (PolyPhen-2) suggests that this variant is likely to be disruptive. In summary, the available evidence is currently insufficient to determine the role of this variant in disease. Therefore, it has been classified as a Variant of Uncertain Significance.

Juno Genomics, Hangzhou Juno Genomics, Inc
Classification: Uncertain significance for Chromosome 2p16.3 deletion syndrome; Pitt-Hopkins-like syndrome 2. Review status: criteria provided, single submitter. Criteria: ACMG Guidelines, 2015. Collection method: clinical testing. Allele origin: germline.
Comment: Absent from controls (or at extremely low frequency if recessive) in Genome Aggregation Database.;Multiple lines of computational evidence support a deleterious effect on the gene or gene product.